The following is an entry in ClinVar:

NM_006904.7(PRKDC):c.8546C>A (p.Ser2849Tyr)

Gene: PRKDC (protein kinase, DNA-activated, catalytic subunit; minus strand). Cytogenetic location: 8q11.21.
Variant type: single nucleotide variant.
Coding change: c.8546C>A on transcript NM_006904.7 (MANE Select); coding-DNA position 8546, C replaced by A.
Protein change: p.Ser2849Tyr; replaces serine 2849 with tyrosine.
Molecular consequence: missense variant.
Genome position (GRCh38, 1-based): chr8:47,828,199, G>T on the plus strand (C>A on the coding strand, the complement: PRKDC is on the minus strand). VCF-style: chr8-47828199-G-T. GRCh37 (hg19) VCF-style: chr8-48740760-G-T.
Other names: c.8546C>A, p.Ser2849Tyr (NM_001081640.2); short protein forms S2849Y.
Identifiers: ClinVar variation 1403202 (VCV001403202.5), dbSNP rs1317837886, ClinGen allele CA371144354.

ClinVar aggregate classification (germline): Uncertain significance (1 of 4 stars; one submission).

Conditions:
Severe combined immunodeficiency due to DNA-PKcs deficiency. Also called: IMMUNODEFICIENCY 26 WITH NEUROLOGIC ABNORMALITIES; Immunodeficiency 26 with or without neurologic abnormalities. Identifiers: Orphanet 317425, MedGen C4014833, MONDO:0014423, OMIM 615966.

Allele frequency attached by ClinVar (database versions not stated): gnomAD exomes 0.00001; TOPMed 0.00002.
gnomAD v4.1: 6 of 1,613,822 alleles (0.00037%); highest among the groups gnomAD compares: African/African-American, 0.008%; no homozygotes.

Submission:

Labcorp Genetics (formerly Invitae), Labcorp
Classification: Uncertain significance for Severe combined immunodeficiency due to DNA-PKcs deficiency. Last evaluated: 2022-07-26. Review status: criteria provided, single submitter. Criteria: Invitae Variant Classification Sherloc (09022015). Collection method: clinical testing. Allele origin: germline.
Comment: In summary, the available evidence is currently insufficient to determine the role of this variant in disease. Therefore, it has been classified as a Variant of Uncertain Significance. Experimental studies and prediction algorithms are not available or were not evaluated, and the functional significance of this variant is currently unknown. ClinVar contains an entry for this variant (Variation ID: 1403202). This variant has not been reported in the literature in individuals affected with PRKDC-related conditions. This variant is present in population databases (no rsID available, gnomAD 0.01%). This sequence change replaces serine, which is neutral and polar, with tyrosine, which is neutral and polar, at codon 2849 of the PRKDC protein (p.Ser2849Tyr).